The following is an entry in ClinVar:

NM_004612.4(TGFBR1):c.885C>A (p.Tyr295Ter)

Gene: TGFBR1 (transforming growth factor beta receptor 1; plus strand). Cytogenetic location: 9q22.33.
Variant type: single nucleotide variant.
Coding change: c.885C>A on transcript NM_004612.4 (MANE Select); coding-DNA position 885, C replaced by A.
Protein change: p.Tyr295Ter; replaces tyrosine 295 with a stop codon.
Molecular consequence: nonsense. On other transcripts: non-coding transcript variant (4), intron variant (2).
Genome position (GRCh38, 1-based): chr9:99,142,615, C>A. VCF-style: chr9-99142615-C-A. GRCh37 (hg19) VCF-style: chr9-101904897-C-A.
Other names: c.654C>A, p.Tyr218Ter (NM_001130916.3, NM_001407435.1); c.897C>A, p.Tyr299Ter (NM_001306210.2); c.690C>A, p.Tyr230Ter (NM_001407418.1, NM_001407422.1, NM_001407419.1 and 1 more transcripts); c.678C>A, p.Tyr226Ter (NM_001407430.1, NM_001407432.1, NM_001407433.1 and 8 more transcripts); c.639C>A, p.Tyr213Ter (NM_001407436.1); c.177C>A, p.Tyr59Ter (NM_001407437.1); c.408C>A, p.Tyr136Ter (NM_001407438.1); c.818-2117C>A (NM_001407416.1); and 1 more; short protein forms Y136*, Y213*, Y218*, Y226*, Y230*, Y295*, Y299*, Y59*.
Identifiers: ClinVar variation 4756748 (VCV004756748.1).

ClinVar aggregate classification (germline): Uncertain significance (1 of 4 stars; one submission).

Conditions:
Familial thoracic aortic aneurysm and aortic dissection (TAAD). Also called: Thoracic aortic aneurysms and dissections. Identifiers: Orphanet 91387, MedGen C4707243, MONDO:0019625.

Submission:

Color Diagnostics, LLC DBA Color Health
Classification: Uncertain significance for Familial thoracic aortic aneurysm and aortic dissection. Last evaluated: 2025-05-26. Review status: criteria provided, single submitter. Criteria: ACMG Guidelines, 2015. Collection method: clinical testing. Allele origin: germline.
Comment: This variant changes 1 nucleotide in exon 5 of the TGFBR1 gene, creating a premature translation stop signal. This variant is expected to result in an absent or non-functional protein product. To our knowledge, this variant has not been reported in individuals affected with TGFBR1-related disorders in the literature. This variant has not been identified in the general population by the Genome Aggregation Database (gnomAD). Clinical relevance of loss-of-function TGFBR1 truncation variants in autosomal dominant cardiovascular disorders is not clearly established. The available evidence is insufficient to determine the role of this variant in disease conclusively. Therefore, this variant is classified as a Variant of Uncertain Significance.